The following is an entry in ClinVar:

NM_170606.3(KMT2C):c.6983C>T (p.Pro2328Leu)

Gene: KMT2C (lysine methyltransferase 2C; minus strand). Cytogenetic location: 7q36.1.
Variant type: single nucleotide variant.
Coding change: c.6983C>T on transcript NM_170606.3 (MANE Select); coding-DNA position 6983, C replaced by T.
Protein change: p.Pro2328Leu; replaces proline 2328 with leucine.
Molecular consequence: missense variant.
Genome position (GRCh38, 1-based): chr7:152,180,877, G>A on the plus strand (C>T on the coding strand, the complement: KMT2C is on the minus strand). VCF-style: chr7-152180877-G-A. GRCh37 (hg19) VCF-style: chr7-151877962-G-A.
Other names: short protein forms P2328L.
Identifiers: ClinVar variation 1902360 (VCV001902360.5), dbSNP rs1199969408, ClinGen allele CA370090789.

ClinVar aggregate classification (germline): Uncertain significance (1 of 4 stars; one submission).

Allele frequency attached by ClinVar (database versions not stated): gnomAD exomes below 0.00001.
gnomAD v4.1: 1 of 1,614,184 alleles (0.000062%); highest among the groups gnomAD compares: Admixed American, 0.0017%; no homozygotes.

Submission:

Labcorp Genetics (formerly Invitae), Labcorp
Classification: Uncertain significance. Last evaluated: 2022-06-25. Review status: criteria provided, single submitter. Criteria: Invitae Variant Classification Sherloc (09022015). Collection method: clinical testing. Allele origin: germline.
Comment: In summary, the available evidence is currently insufficient to determine the role of this variant in disease. Therefore, it has been classified as a Variant of Uncertain Significance. Algorithms developed to predict the effect of missense changes on protein structure and function are either unavailable or do not agree on the potential impact of this missense change (SIFT: "Deleterious"; PolyPhen-2: "Possibly Damaging"; Align-GVGD: "Class C0"). This variant has not been reported in the literature in individuals affected with KMT2C-related conditions. This variant is present in population databases (no rsID available, gnomAD no frequency). This sequence change replaces proline, which is neutral and non-polar, with leucine, which is neutral and non-polar, at codon 2328 of the KMT2C protein (p.Pro2328Leu).